The following is an entry in ClinVar:

ClinVar aggregate classification (germline): Likely benign (0 of 4 stars; one submission).

Conditions:
RAB29-related disorder. Also called: RAB29-related condition.

gnomAD v4.1: 819 of 1,614,120 alleles (0.051%); highest among the groups gnomAD compares: Middle Eastern, 0.28%; 1 homozygote.

Submission:

PreventionGenetics, part of Exact Sciences
Classification: Likely benign for RAB29-related condition. Last evaluated: 2024-03-27. Review status: no assertion criteria provided. Collection method: clinical testing. Allele origin: germline.
Comment: This variant is classified as likely benign based on ACMG/AMP sequence variant interpretation guidelines (Richards et al. 2015 PMID: 25741868, with internal and published modifications).

NM_003929.3(RAB29):c.367T>C (p.Leu123=)

Gene: RAB29 (RAB29, member RAS oncogene family; minus strand). Cytogenetic location: 1q32.1.
Variant type: single nucleotide variant.
Coding change: c.367T>C on transcript NM_003929.3 (MANE Select); coding-DNA position 367, T replaced by C.
Protein change: p.Leu123=; no amino-acid change (leucine 123 retained).
Molecular consequence: synonymous variant.
Genome position (GRCh38, 1-based): chr1:205,771,483, A>G on the plus strand (T>C on the coding strand, the complement: RAB29 is on the minus strand). VCF-style: chr1-205771483-A-G. GRCh37 (hg19) VCF-style: chr1-205740611-A-G.
Other names: c.367T>C, p.Leu123= (NM_001135662.2); c.295T>C, p.Leu99= (NM_001135663.2); c.151T>C, p.Leu51= (NM_001135664.2).
Identifiers: ClinVar variation 3352762 (VCV003352762.1).